The following is an entry in ClinVar:

ClinVar aggregate classification (germline): Pathogenic/Likely pathogenic. Review status: criteria provided, multiple submitters, no conflicts (2 of 4 stars). 2 submissions from 2 submitters: Pathogenic (1); Likely pathogenic (1). Last evaluated 2018-11-09.

Conditions:
Charcot-Marie-Tooth disease type 2. Also called: Charcot-Marie-Tooth type 2. Identifiers: Orphanet 64746, MedGen C0270914, MONDO:0018993.

Submissions (2):

Labcorp Genetics (formerly Invitae), Labcorp
Classification: Pathogenic for Charcot-Marie-Tooth disease type 2. Last evaluated: 2018-11-09. Review status: criteria provided, single submitter. Criteria: Invitae Variant Classification Sherloc (09022015). Collection method: clinical testing. Allele origin: germline.
Comment: For these reasons, this variant has been classified as Pathogenic. Algorithms developed to predict the effect of missense changes on protein structure and function (SIFT, PolyPhen-2, Align-GVGD) all suggest that this variant is likely to be disruptive, but these predictions have not been confirmed by published functional studies and their clinical significance is uncertain. This variant has also been observed in an individual affected with Hutchinson–Gilford progeria syndrome (PMID: 25001855). ClinVar contains an entry for this variant (Variation ID: 424915). This variant is not present in population databases (ExAC no frequency). This sequence change replaces glutamic acid with glycine at codon 53 of the LMNA protein (p.Glu53Gly). The glutamic acid residue is highly conserved and there is a moderate physicochemical difference between glutamic acid and glycine.

CeGaT Center for Human Genetics Tuebingen
Classification: Likely pathogenic. Last evaluated: 2016-11-01. Review status: criteria provided, single submitter. Criteria: CeGaT Center For Human Genetics Tuebingen Variant Classification Criteria Version 2. Collection method: clinical testing. Allele origin: germline. Affected: yes. Observed: 1 variant allele.

Literature cited by the submitters: PubMed 25001855 (cited by Labcorp Genetics (formerly Invitae), Labcorp).

NM_170707.4(LMNA):c.158A>G (p.Glu53Gly)

Gene: LMNA (lamin A/C; plus strand). Cytogenetic location: 1q22.
Variant type: single nucleotide variant.
Coding change: c.158A>G on transcript NM_170707.4 (MANE Select); coding-DNA position 158, A replaced by G.
Protein change: p.Glu53Gly; replaces glutamic acid 53 with glycine.
Molecular consequence: missense variant.
Genome position (GRCh38, 1-based): chr1:156,115,076, A>G. VCF-style: chr1-156115076-A-G. GRCh37 (hg19) VCF-style: chr1-156084867-A-G.
Other names: c.158A>G, p.Glu53Gly (NM_001282625.2, NM_001282626.2, NM_005572.4 and 1 more transcripts); short protein forms E53G.
Identifiers: ClinVar variation 424915 (VCV000424915.50), dbSNP rs60290646, ClinGen allele CA16621576.
Genomic context (GRCh38, chr1:156,115,076, plus strand): 5'-AGGACCTGCAGGAGCTCAATGATCGCTTGGCGGTCTACATCGACCGTGTGCGCTCGCTGG[A>G]AACGGAGAACGCAGGGCTGCGCCTTCGCATCACCGAGTCTGAAGAGGTGGTCAGCCGCGA-3'
Protein context (NP_733821.1, residues 43-63): AVYIDRVRSL[Glu53Gly]TENAGLRLRI